The following is an entry in ClinVar:

NM_001330700.2(TOP2B):c.4298A>T (p.Glu1433Val)

Gene: TOP2B (DNA topoisomerase II beta; minus strand). Cytogenetic location: 3p24.2.
Variant type: single nucleotide variant.
Coding change: c.4298A>T on transcript NM_001330700.2 (MANE Select); coding-DNA position 4298, A replaced by T.
Protein change: p.Glu1433Val; replaces glutamic acid 1433 with valine.
Molecular consequence: missense variant.
Genome position (GRCh38, 1-based): chr3:25,607,171, T>A on the plus strand (A>T on the coding strand, the complement: TOP2B is on the minus strand). VCF-style: chr3-25607171-T-A. GRCh37 (hg19) VCF-style: chr3-25648662-T-A.
Other names: c.4283A>T, p.Glu1428Val (NM_001068.3); short protein forms E1428V, E1433V.
Identifiers: ClinVar variation 1717898 (VCV001717898.5), dbSNP rs1459928196, ClinGen allele CA351892243.

ClinVar aggregate classification (germline): Uncertain significance (1 of 4 stars; one submission).

Allele frequency attached by ClinVar (database versions not stated): TOPMed below 0.00001; gnomAD 0.00001.
gnomAD v4.1: 1 of 1,612,992 alleles (0.000062%); highest among the groups gnomAD compares: African/African-American, 0.0013%; no homozygotes.

Submission:

Labcorp Genetics (formerly Invitae), Labcorp
Classification: Uncertain significance. Last evaluated: 2022-08-23. Review status: criteria provided, single submitter. Criteria: Invitae Variant Classification Sherloc (09022015). Collection method: clinical testing. Allele origin: germline.
Comment: This sequence change replaces glutamic acid, which is acidic and polar, with valine, which is neutral and non-polar, at codon 1428 of the TOP2B protein (p.Glu1428Val). In summary, the available evidence is currently insufficient to determine the role of this variant in disease. Therefore, it has been classified as a Variant of Uncertain Significance. Algorithms developed to predict the effect of missense changes on protein structure and function (SIFT, PolyPhen-2, Align-GVGD) all suggest that this variant is likely to be tolerated. This variant has not been reported in the literature in individuals affected with TOP2B-related conditions. This variant is not present in population databases (gnomAD no frequency).